The following is an entry in ClinVar:

NM_004713.6(NEMF):c.1232+4A>G

Gene: NEMF (nuclear export mediator factor; minus strand). Cytogenetic location: 14q21.3.
Variant type: single nucleotide variant.
Coding change: c.1232+4A>G on transcript NM_004713.6 (MANE Select); 4 bases into the intron after coding-DNA position 1232, A replaced by G.
Molecular consequence: intron variant.
Genome position (GRCh38, 1-based): chr14:49,829,050, T>C on the plus strand (A>G on the coding strand, the complement: NEMF is on the minus strand). VCF-style: chr14-49829050-T-C. GRCh37 (hg19) VCF-style: chr14-50295768-T-C.
Other names: NC_000014.8:g.50295768T>C; c.1232+4A>G (NM_001301732.3).
Identifiers: ClinVar variation 3044123 (VCV003044123.3), dbSNP rs148593806, ClinGen allele CA7175357.

ClinVar aggregate classification (germline): Likely benign (0 of 4 stars; one submission).

Conditions:
NEMF-related disorder. Also called: NEMF-related condition.

Allele frequency attached by ClinVar (database versions not stated): gnomAD exomes 0.00018; ExAC 0.00051; 1000 Genomes Project 0.00080; ESP Exome Variant Server 0.00092; 1000 Genomes Project 30x 0.00094; gnomAD 0.00160; TOPMed 0.00165.
gnomAD v4.1: 538 of 1,612,162 alleles (0.033%); highest among the groups gnomAD compares: African/African-American, 0.53%; 1 homozygote.

Submissions (2):

PreventionGenetics, part of Exact Sciences
Classification: Likely benign for NEMF-related condition. Last evaluated: 2019-06-06. Review status: no assertion criteria provided. Collection method: clinical testing. Allele origin: germline.
Comment: This variant is classified as likely benign based on ACMG/AMP sequence variant interpretation guidelines (Richards et al. 2015 PMID: 25741868, with internal and published modifications).

Dr. Peter K. Rogan Lab, Western University
No classification provided (evidence only). Condition: Familial cancer of breast. Review status: no classification provided. Collection method: in vitro. Allele origin: not applicable. Functional consequence: retained intron. Not counted in ClinVar's aggregate classification.